The following is an entry in ClinVar:

ClinVar aggregate classification (germline): Pathogenic (1 of 4 stars; one submission).

Conditions:
Tuberous sclerosis 2 (TSC2). Identifiers: Orphanet 805, MedGen C1860707, MONDO:0013199, OMIM 613254.

Submission:

Labcorp Genetics (formerly Invitae), Labcorp
Classification: Pathogenic for Tuberous sclerosis 2. Last evaluated: 2021-11-09. Review status: criteria provided, single submitter. Criteria: Invitae Variant Classification Sherloc (09022015). Collection method: clinical testing. Allele origin: germline.
Comment: RNA analysis indicates that this premature translational stop signal does not impact mRNA splicing (Invitae). For these reasons, this variant has been classified as Pathogenic. This variant has not been reported in the literature in individuals affected with TSC2-related conditions. This variant is not present in population databases (gnomAD no frequency). This sequence change creates a premature translational stop signal (p.Asn919Argfs*34) in the TSC2 gene. It is expected to result in an absent or disrupted protein product. Loss-of-function variants in TSC2 are known to be pathogenic (PMID: 10205261, 17304050).

Literature cited by the submitters: PubMed 10205261; PubMed 17304050.

NM_000548.5(TSC2):c.2743-1_2755dup

Gene: TSC2 (TSC complex subunit 2; plus strand). Cytogenetic location: 16p13.3.
Variant type: Duplication.
Coding change: c.2743-1_2755dup on transcript NM_000548.5 (MANE Select); the canonical splice acceptor site of the intron before coding-DNA position 2743 through coding-DNA position 2755, 14 bases duplicated (GGGCCTGCGGTCCA).
Molecular consequence: splice acceptor variant.
Genome position (GRCh38, 1-based): chr16:2,076,490-2,076,503, GGGCCTGCGGTCCA duplicated; duplicating any 14 consecutive bases within chr16:2,076,487-2,076,503 gives the same sequence; the c. name uses the placement nearest the transcript's 3' end. VCF-style (leftmost placement, unchanged base first): chr16-2076486-G-GCCAGGGCCTGCGGT. GRCh37 (hg19) VCF-style: chr16-2126487-G-GCCAGGGCCTGCGGT.
Other names: c.2743-1_2755dup (NM_001114382.3, NM_021055.3, NM_001370405.1 and 3 more transcripts); c.2632-1_2644dup (NM_001318827.2); c.2143-1_2155dup (NM_001318831.2); c.2596-1_2608dup (NM_001318829.2); c.2776-1_2788dup (NM_001318832.2).
Identifiers: ClinVar variation 2035841 (VCV002035841.4), dbSNP rs2543928077, ClinGen allele CA2580090876.